The following is an entry in ClinVar:

ClinVar aggregate classification (germline): Uncertain significance (1 of 4 stars; one submission).

Submission:

Dasa
Classification: Uncertain significance. Last evaluated: 2025-05-28. Review status: criteria provided, single submitter. Criteria: DASA Assertion Criteria. Collection method: clinical testing. Allele origin: germline.
Comment: NM_006236.3(POU3F3):c.608C>T (p.Ala203Val) is a missense variant that results in the substitution of alanine with valine. This variant is rare in population databases. The currently available literature and clinical evidence are not sufficient to establish a definitive association between this variant and the reported condition. Therefore, this variant is classified as a variant of uncertain significance.

NM_006236.3(POU3F3):c.608C>T (p.Ala203Val)

Gene: POU3F3 (POU class 3 homeobox 3; plus strand). Cytogenetic location: 2q12.1.
Variant type: single nucleotide variant.
Coding change: c.608C>T on transcript NM_006236.3 (MANE Select); coding-DNA position 608, C replaced by T.
Protein change: p.Ala203Val; replaces alanine 203 with valine.
Molecular consequence: missense variant.
Genome position (GRCh38, 1-based): chr2:104,856,118, C>T. VCF-style: chr2-104856118-C-T. GRCh37 (hg19) VCF-style: chr2-105472576-C-T.
Other names: c.608C>T, p.Ala203Val (NM_001433704.1); short protein forms A203V.
Identifiers: ClinVar variation 4881927 (VCV004881927.2).